The following is an entry in ClinVar:

ClinVar aggregate classification (germline): Uncertain significance (1 of 4 stars; one submission).

Allele frequency attached by ClinVar (database versions not stated): gnomAD 0.00001; TOPMed 0.00001; ExAC 0.00002.
gnomAD v4.1: 9 of 1,614,198 alleles (0.00056%); highest among the groups gnomAD compares: Middle Eastern, 0.016%; no homozygotes.

Submission:

Women's Health and Genetics/Laboratory Corporation of America, LabCorp
Classification: Uncertain significance. Last evaluated: 2022-10-28. Review status: criteria provided, single submitter. Criteria: LabCorp Variant Classification Summary - May 2015. Collection method: clinical testing. Allele origin: germline.
Comment: Variant summary: TRIO c.905C>T (p.Ala302Val) results in a non-conservative amino acid change in the encoded protein sequence. Four of five in-silico tools predict a damaging effect of the variant on protein function. The variant allele was found at a frequency of 1.2e-05 in 251374 control chromosomes (gnomAD). The available data on variant occurrences in the general population are insufficient to allow any conclusion about variant significance. To our knowledge, no occurrence of c.905C>T in individuals affected with TRIO-Related Intellectual Disability and no experimental evidence demonstrating its impact on protein function have been reported. No clinical diagnostic laboratories have submitted clinical-significance assessments for this variant to ClinVar after 2014. Based on the evidence outlined above, the variant was classified as uncertain significance.

NM_007118.4(TRIO):c.905C>T (p.Ala302Val)

Gene: TRIO (trio Rho guanine nucleotide exchange factor; plus strand). Cytogenetic location: 5p15.2.
Variant type: single nucleotide variant.
Coding change: c.905C>T on transcript NM_007118.4 (MANE Select); coding-DNA position 905, C replaced by T.
Protein change: p.Ala302Val; replaces alanine 302 with valine.
Molecular consequence: missense variant. On other transcripts: non-coding transcript variant (1).
Genome position (GRCh38, 1-based): chr5:14,291,080, C>T. VCF-style: chr5-14291080-C-T. GRCh37 (hg19) VCF-style: chr5-14291189-C-T.
Other names: short protein forms A302V.
Identifiers: ClinVar variation 1723415 (VCV001723415.1), dbSNP rs761019734, ClinGen allele CA3205513.